The following is an entry in ClinVar:

NM_005548.3(KARS1):c.1357G>C (p.Glu453Gln)

Genes: KARS1 (lysyl-tRNA synthetase 1; minus strand), LOC126862402 (CDK7 strongly-dependent group 2 enhancer GRCh37_chr16:75663368-75664567; plus strand). Cytogenetic location: 16q23.1.
Variant type: single nucleotide variant.
Coding change: c.1357G>C on transcript NM_005548.3 (MANE Select); coding-DNA position 1357, G replaced by C.
Protein change: p.Glu453Gln; replaces glutamic acid 453 with glutamine.
Molecular consequence: missense variant.
Genome position (GRCh38, 1-based): chr16:75,630,490, C>G on the plus strand (G>C on the coding strand, the complement: KARS1 is on the minus strand). VCF-style: chr16-75630490-C-G. GRCh37 (hg19) VCF-style: chr16-75664388-C-G.
Other names: c.889G>C, p.Glu297Gln (NM_001378148.1); c.1441G>C, p.Glu481Gln (NM_001130089.2); short protein forms E297Q, E453Q, E481Q.
Identifiers: ClinVar variation 1687365 (VCV001687365.1), dbSNP rs2151801345, ClinGen allele CA396811062.
Genomic context (GRCh38, chr16:75,630,490, plus strand): 5'-CCAAAGGGCTCATTATCTGTGGGTGATCACAGATGAATGTAGGATTGATGCAAGTCACTT[C>G]CAGGAACTCCCCAACAAGCTTAATGAGAAAGCAAAGCAGAGTCAGTCACCATTTCTGAAT-3'
Protein context (NP_005539.1, residues 443-463): LLDKLVGEFL[Glu453Gln]VTCINPTFIC

ClinVar aggregate classification (germline): Uncertain significance (1 of 4 stars; one submission).

Conditions:
Autosomal recessive nonsyndromic hearing loss 89. Also called: Deafness, autosomal recessive 89. Identifiers: Orphanet 90636, MedGen C3151351, MONDO:0013489, OMIM 613916.

Submission:

3billion
Classification: Uncertain significance for Autosomal recessive nonsyndromic hearing loss 89. Last evaluated: 2022-05-22. Review status: criteria provided, single submitter. Criteria: ACMG Guidelines, 2015. Collection method: clinical testing. Allele origin: germline. Affected: yes. Observed: 1 heterozygote.
Comment: The variant is not observed in the gnomAD v2.1.1 dataset. In silico tool predictions suggest damaging effect of the variant on gene or gene product (REVEL: 0.83; 3Cnet: 0.63). Therefore, this variant is classified as uncertain significanceaccording to the recommendation of ACMG/AMP guideline.